The following is an entry in ClinVar:

ClinVar aggregate classification (germline): Uncertain significance. Review status: criteria provided, multiple submitters, no conflicts (2 of 4 stars). 3 submissions from 3 submitters: Uncertain significance (3). Last evaluated 2025-08-11.

Conditions:
Inborn genetic diseases. Identifiers: MedGen C0950123, MeSH D030342.
Growth hormone insensitivity with immune dysregulation 1, autosomal recessive. Also called: GROWTH HORMONE INSENSITIVITY SYNDROME WITH IMMUNE DYSREGULATION 1, AUTOSOMAL RECESSIVE; Laron syndrome with immunodeficiency; GROWTH HORMONE INSENSITIVITY DUE TO POSTRECEPTOR DEFECT; LARON SYNDROME DUE TO POSTRECEPTOR DEFECT. Identifiers: Orphanet 220465, MedGen C5435698, MONDO:0100211, OMIM 245590.

Allele frequency attached by ClinVar (database versions not stated): gnomAD exomes 0.00001.
gnomAD v4.1: 13 of 1,614,220 alleles (0.00081%); highest among the groups gnomAD compares: African/African-American, 0.0013%; no homozygotes.

Submissions (3):

Labcorp Genetics (formerly Invitae), Labcorp
Classification: Uncertain significance for Growth hormone insensitivity with immune dysregulation 1, autosomal recessive. Last evaluated: 2025-08-11. Review status: criteria provided, single submitter. Criteria: Invitae Variant Classification Sherloc (09022015). Collection method: clinical testing. Allele origin: germline.
Comment: This sequence change replaces alanine, which is neutral and non-polar, with threonine, which is neutral and polar, at codon 723 of the STAT5B protein (p.Ala723Thr). This variant is not present in population databases (gnomAD no frequency). This variant has not been reported in the literature in individuals affected with STAT5B-related conditions. ClinVar contains an entry for this variant (Variation ID: 665889). An algorithm developed to predict the effect of missense changes on protein structure and function outputs the following: PolyPhen-2: "Possibly Damaging". The threonine amino acid residue is found in multiple mammalian species, which suggests that this missense change does not adversely affect protein function. In summary, the available evidence is currently insufficient to determine the role of this variant in disease. Therefore, it has been classified as a Variant of Uncertain Significance.

Ambry Genetics
Classification: Uncertain significance for Inborn genetic diseases. Last evaluated: 2025-01-01. Review status: criteria provided, single submitter. Criteria: Ambry Variant Classification Scheme 2023. Collection method: clinical testing. Allele origin: germline.

Neuberg Centre For Genomic Medicine, NCGM
Classification: Uncertain significance for Growth hormone insensitivity with immune dysregulation 1, autosomal recessive. Last evaluated: 2023-06-22. Review status: criteria provided, single submitter. Criteria: ACMG Guidelines, 2015. Collection method: clinical testing. Allele origin: germline. Inheritance: Autosomal recessive inheritance. Affected: yes.
Comment: The observed missense c.2167G>A(p.Ala723Thr) variant in STAT5B gene has not been reported previously as a pathogenic variant nor as a benign variant, to our knowledge. This variant is absent in gnomAD Exomes. This variant has been reported to the ClinVar database as Uncertain Significance. However, no details are available for independent assessment. The amino acid Ala at position 723 is changed to a Thr changing protein sequence and it might alter its composition and physico-chemical properties. The amino acid change p.Ala723Thr in STAT5B is predicted as conserved by GERP++ and PhyloP across 100 vertebrates. Multiple lines of computational evidence (Polyphen - Benign, SIFT - Tolerated, and MutationTaster - Polymorphism) predicts conflicting evidence on protein structure and function for this variant. For these reasons, this variant has been classified as Uncertain Significance.

NM_012448.4(STAT5B):c.2167G>A (p.Ala723Thr)

Gene: STAT5B (signal transducer and activator of transcription 5B; minus strand). Cytogenetic location: 17q21.2.
Variant type: single nucleotide variant.
Coding change: c.2167G>A on transcript NM_012448.4 (MANE Select); coding-DNA position 2167, G replaced by A.
Protein change: p.Ala723Thr; replaces alanine 723 with threonine.
Molecular consequence: missense variant.
Genome position (GRCh38, 1-based): chr17:42,202,410, C>T on the plus strand (G>A on the coding strand, the complement: STAT5B is on the minus strand). VCF-style: chr17-42202410-C-T. GRCh37 (hg19) VCF-style: chr17-40354428-C-T.
Other names: short protein forms A723T.
Identifiers: ClinVar variation 665889 (VCV000665889.10), dbSNP rs929910807, ClinGen allele CA290730008.